The following is an entry in ClinVar:

ClinVar aggregate classification (germline): Benign/Likely benign. Review status: criteria provided, multiple submitters, no conflicts (2 of 4 stars). 6 submissions from 6 submitters: Benign (2); Likely benign (2). 2 of the submissions do not count toward it. Last evaluated 2025-12-30.

Conditions:
Dilated cardiomyopathy 1G (CMD1G). Identifiers: Orphanet 154, MedGen C1858763, MONDO:0011400, OMIM 604145.
Autosomal recessive limb-girdle muscular dystrophy type 2J (LGMDR10). Also called: Limb-girdle muscular dystrophy, type 2J; MUSCULAR DYSTROPHY, LIMB-GIRDLE, AUTOSOMAL RECESSIVE 10. Identifiers: Orphanet 140922, MedGen C1837342, MONDO:0012127, OMIM 608807.
Myopathy, myofibrillar, 9, with early respiratory failure (MFM9). Also called: Hereditary myopathy with early respiratory failure; Myopathy, distal, with early respiratory failure, autosomal dominant; MYOPATHY, PROXIMAL, WITH EARLY RESPIRATORY MUSCLE INVOLVEMENT; EDSTROM MYOPATHY. Identifiers: Orphanet 178464, Orphanet 34521, MedGen C1863599, MONDO:0011362, OMIM 603689.
Hypertrophic cardiomyopathy 9. Also called: Familial hypertrophic cardiomyopathy 9. Identifiers: MedGen C1861065, MONDO:0013412, OMIM 613765.
Tibial muscular dystrophy (TMD). Also called: Udd Distal Myopathy – Tibial Muscular Dystrophy; UDD MYOPATHY; Tibial muscular dystrophy, tardive. Identifiers: Orphanet 609, MedGen C1838244, MONDO:0010870, OMIM 600334.
Early-onset myopathy with fatal cardiomyopathy (CMYO5). Also called: Salih Myopathy; CONGENITAL MYOPATHY 5 WITH CARDIOMYOPATHY. Identifiers: Orphanet 289377, MedGen C2673677, MONDO:0012714, OMIM 611705. Disease mechanism: loss of function.

Submissions (6):

Labcorp Genetics (formerly Invitae), Labcorp
Classification: Benign for Dilated cardiomyopathy 1G; Autosomal recessive limb-girdle muscular dystrophy type 2J. Last evaluated: 2025-12-30. Review status: criteria provided, single submitter. Criteria: Invitae Variant Classification Sherloc (09022015). Collection method: clinical testing. Allele origin: germline.

Blueprint Genetics
Classification: Likely benign. Last evaluated: 2024-11-21. Review status: criteria provided, single submitter. Criteria: ACMG Guidelines, 2015. Collection method: clinical testing. Allele origin: germline.

Fulgent Genetics
Classification: Likely benign for Tibial muscular dystrophy; Myopathy, myofibrillar, 9, with early respiratory failure; Dilated cardiomyopathy 1G; Autosomal recessive limb-girdle muscular dystrophy type 2J; Early-onset myopathy with fatal cardiomyopathy; Hypertrophic cardiomyopathy 9. Last evaluated: 2021-08-06. Review status: criteria provided, single submitter. Criteria: ACMG Guidelines, 2015. Collection method: clinical testing. Allele origin: unknown.

Women's Health and Genetics/Laboratory Corporation of America, LabCorp
Classification: Benign. Last evaluated: 2021-07-19. Review status: criteria provided, single submitter. Criteria: LabCorp Variant Classification Summary - May 2015. Collection method: clinical testing. Allele origin: germline.
Comment: Variant summary: TTN c.26951-19delT alters a non-conserved nucleotide located close to a canonical splice site and therefore could affect mRNA splicing, leading to a significantly altered protein sequence. 4/4 computational tools predict no significant impact on normal splicing. However, these predictions have yet to be confirmed by functional studies. The variant allele was found at a frequency of 0.0019 in 42862 control chromosomes, predominantly at a frequency of 0.012 within the African or African-American subpopulation in the gnomAD database. The observed variant frequency within African or African-American control individuals in the gnomAD database is approximately 31-fold of the estimated maximal expected allele frequency for a pathogenic variant in TTN causing Dilated Cardiomyopathy phenotype (0.00039), strongly suggesting that the variant is a benign polymorphism found primarily in populations of African or African-American origin. To our knowledge, no occurrence of c.26951-19delT in individuals affected with Dilated Cardiomyopathy and no experimental evidence demonstrating its impact on protein function have been reported. No clinical diagnostic laboratories have submitted clinical-significance assessments for this variant to ClinVar after 2014. Based on the evidence outlined above, the variant was classified as benign.

Clinical Genetics, Academic Medical Center
Classification: Benign. Review status: no assertion criteria provided. Collection method: clinical testing. Allele origin: germline. Affected: yes. Study: VKGL Data-share Consensus. Not counted in ClinVar's aggregate classification.

Joint Genome Diagnostic Labs from Nijmegen and Maastricht, Radboudumc and MUMC+
Classification: Likely benign. Review status: no assertion criteria provided. Collection method: clinical testing. Allele origin: germline. Affected: yes. Study: VKGL Data-share Consensus. Not counted in ClinVar's aggregate classification.

NM_001267550.2(TTN):c.30683-19del

Gene: TTN (titin; minus strand). Cytogenetic location: 2q31.2.
Variant type: Deletion.
Coding change: c.30683-19del on transcript NM_001267550.2 (MANE Select); 19 bases into the intron before coding-DNA position 30683, one base deleted (T; older notation c.30683-19delT).
Molecular consequence: intron variant.
Genome position (GRCh38, 1-based): chr2:178,698,933, A deleted on the plus strand (T on the coding strand, the reverse complement: TTN is on the minus strand); the first of 9 consecutive A bases (chr2:178,698,933-178,698,941); deleting any one gives the same sequence. VCF-style (leftmost placement, unchanged base first): chr2-178698932-GA-G. GRCh37 (hg19) VCF-style: chr2-179563659-GA-G.
Other names: c.26951-19delT (NM_133378.4); c.13282+39149del (NM_003319.4); c.13858+39149del (NM_133437.4); c.13657+39149del (NM_133432.3); c.26951-19del (NM_133378.4); c.29732-19del (NM_001256850.1).
Identifiers: ClinVar variation 1192192 (VCV001192192.12), dbSNP rs752002029, ClinGen allele CA1999063.
Genomic context (GRCh38, chr2:178,698,932, plus strand): 5'-GCAACAACTTTTTTGGCATCTTTCTTCACAGCCTTTTTGGTAACTAAAAAAAAAAAAAAA[GA>G]AAAAAAAAGAAAAAATATTTCTGGTGTAAGTAACTAAAATGCTTTCAGGAAACTAGGAAT-3'